The following is an entry in ClinVar:

NM_033026.6(PCLO):c.10229C>T (p.Pro3410Leu)

Gene: PCLO (piccolo presynaptic cytomatrix protein; minus strand). Cytogenetic location: 7q21.11.
Variant type: single nucleotide variant.
Coding change: c.10229C>T on transcript NM_033026.6 (MANE Select); coding-DNA position 10229, C replaced by T.
Protein change: p.Pro3410Leu; replaces proline 3410 with leucine.
Molecular consequence: missense variant.
Genome position (GRCh38, 1-based): chr7:82,950,359, G>A on the plus strand (C>T on the coding strand, the complement: PCLO is on the minus strand). VCF-style: chr7-82950359-G-A. GRCh37 (hg19) VCF-style: chr7-82579675-G-A.
Other names: c.10229C>T, p.Pro3410Leu (NM_014510.3); short protein forms P3410L.
Identifiers: ClinVar variation 1373538 (VCV001373538.4), dbSNP rs781244854, ClinGen allele CA4319771.

ClinVar aggregate classification (germline): Uncertain significance (1 of 4 stars; one submission).

Allele frequency attached by ClinVar (database versions not stated): gnomAD 0.00001; ExAC 0.00002; gnomAD exomes 0.00002; TOPMed 0.00002.
gnomAD v4.1: 8 of 1,613,314 alleles (0.0005%); highest among the groups gnomAD compares: East Asian, 0.016%; no homozygotes.

Submission:

Labcorp Genetics (formerly Invitae), Labcorp
Classification: Uncertain significance. Last evaluated: 2021-11-23. Review status: criteria provided, single submitter. Criteria: Invitae Variant Classification Sherloc (09022015). Collection method: clinical testing. Allele origin: germline.
Comment: In summary, the available evidence is currently insufficient to determine the role of this variant in disease. Therefore, it has been classified as a Variant of Uncertain Significance. Algorithms developed to predict the effect of missense changes on protein structure and function output the following: SIFT: "Tolerated"; PolyPhen-2: "Not Available"; Align-GVGD: "Class C0". The leucine amino acid residue is found in multiple mammalian species, which suggests that this missense change does not adversely affect protein function. This variant has not been reported in the literature in individuals affected with PCLO-related conditions. This variant is present in population databases (rs781244854, gnomAD 0.04%). This sequence change replaces proline, which is neutral and non-polar, with leucine, which is neutral and non-polar, at codon 3410 of the PCLO protein (p.Pro3410Leu).